The following is an entry in ClinVar:

ClinVar aggregate classification (germline): Uncertain significance (1 of 4 stars; one submission).

Submission:

Labcorp Genetics (formerly Invitae), Labcorp
Classification: Uncertain significance. Last evaluated: 2023-08-03. Review status: criteria provided, single submitter. Criteria: Invitae Variant Classification Sherloc (09022015). Collection method: clinical testing. Allele origin: germline.
Comment: This variant is not present in population databases (gnomAD no frequency). This variant has not been reported in the literature in individuals affected with AHDC1-related conditions. An algorithm developed to predict the effect of missense changes on protein structure and function (PolyPhen-2) suggests that this variant is likely to be disruptive. In summary, the available evidence is currently insufficient to determine the role of this variant in disease. Therefore, it has been classified as a Variant of Uncertain Significance. This sequence change replaces serine, which is neutral and polar, with proline, which is neutral and non-polar, at codon 326 of the AHDC1 protein (p.Ser326Pro).

NM_001371928.1(AHDC1):c.976T>C (p.Ser326Pro)

Gene: AHDC1 (AT-hook DNA binding motif containing 1; minus strand). Cytogenetic location: 1p36.11.
Variant type: single nucleotide variant.
Coding change: c.976T>C on transcript NM_001371928.1 (MANE Select); coding-DNA position 976, T replaced by C.
Protein change: p.Ser326Pro; replaces serine 326 with proline.
Molecular consequence: missense variant.
Genome position (GRCh38, 1-based): chr1:27,551,140, A>G on the plus strand (T>C on the coding strand, the complement: AHDC1 is on the minus strand). VCF-style: chr1-27551140-A-G. GRCh37 (hg19) VCF-style: chr1-27877651-A-G.
Other names: c.976T>C, p.Ser326Pro (NM_001029882.3); short protein forms S326P.
Identifiers: ClinVar variation 2749821 (VCV002749821.3), dbSNP rs2522053485, ClinGen allele CA339235629.